The following is an entry in ClinVar:

ClinVar aggregate classification (germline): Conflicting classifications of pathogenicity. Review status: criteria provided, conflicting classifications (1 of 4 stars). 3 submissions from 3 submitters: Uncertain significance (1); Likely benign (2). Last evaluated 2025-06-26.

Conditions:
Usher syndrome type 2C. Also called: USHER SYNDROME, TYPE IIC; Usher syndrome, type 2B. Identifiers: Orphanet 231178, Orphanet 886, MedGen C2931213, MONDO:0011558, OMIM 605472.
ADGRV1-related disorder. Also called: ADGRV1-related disorders; ADGRV1-related condition.

Allele frequency attached by ClinVar (database versions not stated): gnomAD 0.00001; TOPMed 0.00001; ExAC 0.00002; gnomAD exomes 0.00002.
gnomAD v4.1: 53 of 1,613,730 alleles (0.0033%); highest among the groups gnomAD compares: South Asian, 0.0077%; no homozygotes.

Submissions (3):

PreventionGenetics, part of Exact Sciences
Classification: Likely benign for ADGRV1-related condition. Last evaluated: 2025-06-26. Review status: criteria provided, single submitter. Criteria: ACMG Guidelines, 2015. Collection method: clinical testing. Allele origin: germline.
Comment: This variant is classified as likely benign based on ACMG/AMP sequence variant interpretation guidelines (Richards et al. 2015 PMID: 25741868, with internal and published modifications).

Labcorp Genetics (formerly Invitae), Labcorp
Classification: Likely benign. Last evaluated: 2025-06-03. Review status: criteria provided, single submitter. Criteria: Invitae Variant Classification Sherloc (09022015). Collection method: clinical testing. Allele origin: germline.

Illumina Laboratory Services, Illumina
Classification: Uncertain significance for Usher syndrome type 2C. Last evaluated: 2018-01-12. Review status: criteria provided, single submitter. Criteria: ICSL Variant Classification Criteria 13 December 2019. Collection method: clinical testing. Allele origin: germline.

NM_032119.4(ADGRV1):c.15498G>A (p.Thr5166=)

Gene: ADGRV1 (adhesion G protein-coupled receptor V1; plus strand). Cytogenetic location: 5q14.3.
Variant type: single nucleotide variant.
Coding change: c.15498G>A on transcript NM_032119.4 (MANE Select); coding-DNA position 15498, G replaced by A.
Protein change: p.Thr5166=; no amino-acid change (threonine 5166 retained).
Molecular consequence: synonymous variant. On other transcripts: non-coding transcript variant (1).
Genome position (GRCh38, 1-based): chr5:90,810,758, G>A. VCF-style: chr5-90810758-G-A. GRCh37 (hg19) VCF-style: chr5-90106575-G-A.
Identifiers: ClinVar variation 905038 (VCV000905038.9), dbSNP rs745385503, ClinGen allele CA3341932.